The following is an entry in ClinVar:

NM_014384.3(ACAD8):c.1092+1G>C

Gene: ACAD8 (acyl-CoA dehydrogenase family member 8; plus strand). Cytogenetic location: 11q25.
Variant type: single nucleotide variant.
Coding change: c.1092+1G>C on transcript NM_014384.3 (MANE Select); the canonical splice donor site of the intron after coding-DNA position 1092, G replaced by C.
Molecular consequence: splice donor variant.
Genome position (GRCh38, 1-based): chr11:134,261,891, G>C. VCF-style: chr11-134261891-G-C. GRCh37 (hg19) VCF-style: chr11-134131785-G-C.
Identifiers: ClinVar variation 1069419 (VCV001069419.9), dbSNP rs572619478, ClinGen allele CA6373206.

ClinVar aggregate classification (germline): Pathogenic (1 of 4 stars; one submission).

Conditions:
Deficiency of isobutyryl-CoA dehydrogenase. Also called: IBD DEFICIENCY; ACAD8 DEFICIENCY; ACYL-CoA DEHYDROGENASE FAMILY, MEMBER 8, DEFICIENCY OF. Identifiers: Orphanet 79159, MedGen C1969809, MONDO:0012648, OMIM 611283.

Submission:

Labcorp Genetics (formerly Invitae), Labcorp
Classification: Pathogenic for Deficiency of isobutyryl-CoA dehydrogenase. Last evaluated: 2021-04-23. Review status: criteria provided, single submitter. Criteria: Invitae Variant Classification Sherloc (09022015). Collection method: clinical testing. Allele origin: germline.
Comment: This sequence change affects a donor splice site in intron 9 of the ACAD8 gene. It is expected to disrupt RNA splicing and likely results in an absent or disrupted protein product. Donor and acceptor splice site variants typically lead to a loss of protein function (PMID: 16199547), and loss-of-function variants in ACAD8 are known to be pathogenic (PMID: 16857760). Algorithms developed to predict the effect of sequence changes on RNA splicing suggest that this variant may disrupt the consensus splice site, but this prediction has not been confirmed by published transcriptional studies. Disruption of this splice site has been observed in individual(s) with isobutyryl-CoA dehydrogenase deficiency (PMID: 30253142). It has also been observed to segregate with disease in related individuals. This variant is present in population databases (rs572619478, ExAC 0.01%). For these reasons, this variant has been classified as Pathogenic.

Literature cited by the submitters: PubMed 16199547; PubMed 16857760; PubMed 30253142.